The following is an entry in ClinVar:

ClinVar aggregate classification (germline): Likely pathogenic (1 of 4 stars; one submission).

Conditions:
Farber lipogranulomatosis (FRBRL). Also called: AC DEFICIENCY; ACID CERAMIDASE DEFICIENCY; CERAMIDASE DEFICIENCY; N-LAURYLSPHINGOSINE DEACYLASE DEFICIENCY; Farber's lipogranulomatosis; Farber's disease. Identifiers: Orphanet 333, MedGen C0268255, MONDO:0009218, OMIM 228000.

Submission:

Medical Affairs, Dicerna Pharmaceuticals
Classification: Likely pathogenic for Farber lipogranulomatosis. Last evaluated: 2019-06-19. Review status: criteria provided, single submitter. Criteria: ACMG Guidelines, 2015. Collection method: literature only. Allele origin: inherited, unknown. Inheritance: Autosomal recessive inheritance. Affected: yes. Observed: 1 variant allele.
Comment: Variant c.752-2A>G has been classifed as likely pathogenic using the following rationale. The patient described in Cozma et al., 2017, DOI:10.1038/s41598-017-06604-2, is a child diagnosed with Farber disease consistent with the Farber disease description in Gene Reviews. Homozygous c.752-2A>G splice site variants in the ASAH1 gene were identified. Additional ceramide biomarker testing was completed in this patient along with 9 additional Farber disease patients and 2 SMA-PME patients demonstrating that C26:0 levels were significantly higher in Farber patients and SMA-PME patients compared to controls according to Cozma et al., 2017.

This patient is described as a juvenile diagnosed with the characteristic symptoms of Farber disease. Homozygous ASAH1 splice site variants, c.752-2A>G, were identified in the ASAH1 gene.

Literature cited by the submitters: DOI 10.1038/s41598-017-06604-2.

NM_177924.5(ASAH1):c.704-2A>G

Gene: ASAH1 (N-acylsphingosine amidohydrolase 1; minus strand). Cytogenetic location: 8p22.
Variant type: single nucleotide variant.
Coding change: c.704-2A>G on transcript NM_177924.5 (MANE Select); the canonical splice acceptor site of the intron before coding-DNA position 704, A replaced by G.
Molecular consequence: splice acceptor variant.
Genome position (GRCh38, 1-based): chr8:18,061,460, T>C on the plus strand (A>G on the coding strand, the complement: ASAH1 is on the minus strand). VCF-style: chr8-18061460-T-C. GRCh37 (hg19) VCF-style: chr8-17918969-T-C.
Other names: c.686-2A>G (NM_001127505.3); c.509-2A>G (NM_001363743.2); c.752-2A>G (NM_004315.6).
Identifiers: ClinVar variation 812504 (VCV000812504.1), dbSNP rs1588977181, ClinGen allele CA370429519.